The following is an entry in ClinVar:

ClinVar aggregate classification (germline): Pathogenic/Likely pathogenic. Review status: criteria provided, multiple submitters, no conflicts (2 of 4 stars). 15 submissions from 15 submitters: Pathogenic (9); Likely pathogenic (2). 4 of the submissions do not count toward it. Last evaluated 2025-09-16.

Conditions:
CREBBP-related disorder. Also called: CREBBP-related disorders; CREBBP-related condition.
Rubinstein-Taybi syndrome due to CREBBP mutations (RSTS1). Also called: RUBINSTEIN-TAYBI SYNDROME 1, INCOMPLETE; Rubinstein-Taybi syndrome 1; CREBBP-Related Rubinstein-Taybi Syndrome; RUBINSTEIN SYNDROME; BROAD THUMB-HALLUX SYNDROME; BROAD THUMBS AND GREAT TOES, CHARACTERISTIC FACIES, AND IMPAIRED INTELLECTUAL DEVELOPMENT. Identifiers: Orphanet 353277, Orphanet 783, MedGen C4551859, MONDO:0008393, OMIM 180849.
Menke-Hennekam syndrome 1 (MKHK1). Identifiers: MedGen C5193034, MONDO:0020763, OMIM 618332.
Rubinstein-Taybi syndrome (RSTS). Identifiers: Orphanet 783, MedGen C0035934, MONDO:0019188.
Inborn genetic diseases. Identifiers: MedGen C0950123, MeSH D030342.
Abnormality of the nervous system. Also called: Congenital nervous system disorder. Identifiers: MedGen C0497552, MONDO:0002320, HP:0000707.
Intellectual disability. Also called: Intellectual functioning disability; Intellectual developmental disorder; intellectual disabilities. Identifiers: MedGen C3714756, MeSH D008607, MONDO:0001071, HP:0001249.

Submissions (15):

Labcorp Genetics (formerly Invitae), Labcorp
Classification: Pathogenic for Rubinstein-Taybi syndrome. Last evaluated: 2025-09-16. Review status: criteria provided, single submitter. Criteria: Invitae Variant Classification Sherloc (09022015). Collection method: clinical testing. Allele origin: germline.
Comment: This sequence change replaces glutamic acid, which is acidic and polar, with lysine, which is basic and polar, at codon 1278 of the CREBBP protein (p.Glu1278Lys). This variant is not present in population databases (gnomAD no frequency). This missense change has been observed in individual(s) with Rubinstein–Taybi syndrome (PMID: 12566391, 32827181). In at least one individual the variant was observed to be de novo. ClinVar contains an entry for this variant (Variation ID: 9433). Invitae Evidence Modeling of protein sequence and biophysical properties (such as structural, functional, and spatial information, amino acid conservation, physicochemical variation, residue mobility, and thermodynamic stability) indicates that this missense variant is expected to disrupt CREBBP protein function with a positive predictive value of 95%. Experimental studies have shown that this missense change affects CREBBP function (PMID: 12566391). For these reasons, this variant has been classified as Pathogenic.

GeneDx
Classification: Pathogenic. Last evaluated: 2022-11-14. Review status: criteria provided, single submitter. Criteria: GeneDx Variant Classification Process June 2021. Collection method: clinical testing. Allele origin: germline. Affected: yes.
Comment: Observed in multiple unrelated patients with features consistent with Rubinstein-Taybi syndrome in published literature (Kalkhoven et al., 2003; Schorry et al., 2008; Cross et al., 2020); Not observed at significant frequency in large population cohorts (gnomAD); In silico analysis supports that this missense variant has a deleterious effect on protein structure/function; This variant is associated with the following publications: (PMID: 20689175, 12566391, 17942008, 25158095, 15706485, 18792986, 32827181)

Laboratorio de Genetica e Diagnostico Molecular, Hospital Israelita Albert Einstein
Classification: Likely pathogenic for Rubinstein-Taybi syndrome due to CREBBP mutations. Last evaluated: 2022-08-12. Review status: criteria provided, single submitter. Criteria: ACMG Guidelines, 2015. Collection method: clinical testing. Allele origin: germline. Affected: yes. Observed: 1 variant allele.
Comment: ACMG classification criteria: PS4 moderated, PM1 moderated, PM2 moderated, PM6 moderated, PP3 supporting

Blueprint Genetics
Classification: Pathogenic for CREBBP-related disorders. Last evaluated: 2022-07-05. Review status: criteria provided, single submitter. Criteria: ACMG Guidelines, 2015. Collection method: clinical testing. Allele origin: de novo. Affected: yes. Observed: 2 variant alleles.

Fulgent Genetics
Classification: Pathogenic for Rubinstein-Taybi syndrome due to CREBBP mutations; Menke-Hennekam syndrome 1. Last evaluated: 2022-03-17. Review status: criteria provided, single submitter. Criteria: ACMG Guidelines, 2015. Collection method: clinical testing. Allele origin: unknown.

Kariminejad - Najmabadi Pathology & Genetics Center
Classification: Pathogenic for Abnormality of the nervous system. Last evaluated: 2021-07-10. Review status: criteria provided, single submitter. Criteria: ACMG Guidelines, 2015. Collection method: clinical testing. Allele origin: germline. Affected: yes.

Diagnostic Laboratory, Strasbourg University Hospital
Classification: Pathogenic for Intellectual disability. Last evaluated: 2020-09-10. Review status: criteria provided, single submitter. Criteria: ACMG Guidelines, 2015. Collection method: clinical testing. Allele origin: de novo. Affected: yes. Observed: 1 heterozygote.

Baylor Genetics
Classification: Pathogenic for Rubinstein-Taybi syndrome due to CREBBP mutations. Last evaluated: 2020-08-19. Review status: criteria provided, single submitter. Criteria: ACMG Guidelines, 2015. Collection method: clinical testing. Allele origin: unknown. Affected: yes.
Comment: This variant was determined to be pathogenic according to ACMG Guidelines, 2015 [PMID:25741868].

Wessex Regional Genetics Laboratory, Salisbury District Hospital
Classification: Likely pathogenic for Rubinstein-Taybi syndrome due to CREBBP mutations. Last evaluated: 2019-11-05. Review status: criteria provided, single submitter. Criteria: ACMG Guidelines, 2015. Collection method: clinical testing. Allele origin: de novo. Inheritance: Autosomal dominant inheritance. Affected: yes. Observed: 2 variant alleles.

Ambry Genetics
Classification: Pathogenic for Inborn genetic diseases. Last evaluated: 2019-09-09. Review status: criteria provided, single submitter. Criteria: Ambry exome assertion method (8-5-2015). Collection method: clinical testing. Allele origin: germline. Affected: yes. Observed: 1 variant allele.

Genetic Services Laboratory, University of Chicago
Classification: Pathogenic for Rubinstein-Taybi syndrome. Last evaluated: 2013-02-08. Review status: criteria provided, single submitter. Criteria: ACMG Guidelines, 2007. Collection method: clinical testing. Allele origin: germline. Inheritance: Autosomal dominant inheritance. Affected: yes.

PreventionGenetics, part of Exact Sciences
Classification: Pathogenic for CREBBP-related condition. Last evaluated: 2024-09-24. Review status: no assertion criteria provided. Collection method: clinical testing. Allele origin: germline. Not counted in ClinVar's aggregate classification.
Comment: The CREBBP c.3832G>A variant is predicted to result in the amino acid substitution p.Glu1278Lys. This variant has been reported in multiple individuals with Rubinstein-Taybi syndrome (Kalkhoven et al 2003. PubMed ID: 12566391; Schorry et al. 2008. PubMed ID: 18792986; de novo, Cross et al. 2020. PubMed ID: 32827181). This variant has not been reported in a large population database, indicating this variant is rare. This variant is interpreted as pathogenic.

OMIM
Classification: Pathogenic for RUBINSTEIN-TAYBI SYNDROME 1. Last evaluated: 2003-02-15. Review status: no assertion criteria provided. Collection method: literature only. Allele origin: germline. Not counted in ClinVar's aggregate classification.

Clinical Genetics DNA and cytogenetics Diagnostics Lab, Erasmus MC, Erasmus Medical Center
Classification: Pathogenic. Review status: no assertion criteria provided. Collection method: clinical testing. Allele origin: germline. Affected: yes. Study: VKGL Data-share Consensus. Not counted in ClinVar's aggregate classification.

Joint Genome Diagnostic Labs from Nijmegen and Maastricht, Radboudumc and MUMC+
Classification: Likely pathogenic. Review status: no assertion criteria provided. Collection method: clinical testing. Allele origin: germline. Affected: yes. Study: VKGL Data-share Consensus. Not counted in ClinVar's aggregate classification.

Literature cited by the submitters: PubMed 12566391 (cited by 3 submitters); PubMed 32827181 (cited by Labcorp Genetics (formerly Invitae), Labcorp); PubMed 18792986 (cited by Ambry Genetics); PubMed 25388907 (cited by Ambry Genetics); PubMed 16359492 (cited by Ambry Genetics).

NM_004380.3(CREBBP):c.3832G>A (p.Glu1278Lys)

Gene: CREBBP (CREB binding lysine acetyltransferase; minus strand). Cytogenetic location: 16p13.3.
Variant type: single nucleotide variant.
Coding change: c.3832G>A on transcript NM_004380.3 (MANE Select); coding-DNA position 3832, G replaced by A.
Protein change: p.Glu1278Lys; replaces glutamic acid 1278 with lysine.
Molecular consequence: missense variant.
Genome position (GRCh38, 1-based): chr16:3,749,631, C>T on the plus strand (G>A on the coding strand, the complement: CREBBP is on the minus strand). VCF-style: chr16-3749631-C-T. GRCh37 (hg19) VCF-style: chr16-3799632-C-T.
Other names: c.3718G>A, p.Glu1240Lys (NM_001079846.1); short protein forms E1278K, E1240K.
Identifiers: ClinVar variation 9433 (VCV000009433.39), dbSNP rs267606752, ClinGen allele CA254815.